The following is an entry in ClinVar:

ClinVar aggregate classification (germline): Uncertain significance (1 of 4 stars; one submission).

Conditions:
Hypertrophic cardiomyopathy. Also called: HYPERTROPHIC MYOCARDIOPATHY. Identifiers: Orphanet 217569, MedGen C0007194, MeSH D002312, MONDO:0005045, HP:0001639.

Submission:

Labcorp Genetics (formerly Invitae), Labcorp
Classification: Uncertain significance for Hypertrophic cardiomyopathy. Last evaluated: 2025-02-02. Review status: criteria provided, single submitter. Criteria: Invitae Variant Classification Sherloc (09022015). Collection method: clinical testing. Allele origin: germline.
Comment: This sequence change replaces leucine, which is neutral and non-polar, with proline, which is neutral and non-polar, at codon 650 of the MYH7 protein (p.Leu650Pro). This variant is not present in population databases (gnomAD no frequency). This variant has not been reported in the literature in individuals affected with MYH7-related conditions. ClinVar contains an entry for this variant (Variation ID: 407197). Invitae Evidence Modeling of protein sequence and biophysical properties (such as structural, functional, and spatial information, amino acid conservation, physicochemical variation, residue mobility, and thermodynamic stability) indicates that this missense variant is expected to disrupt MYH7 protein function with a positive predictive value of 95%. In summary, the available evidence is currently insufficient to determine the role of this variant in disease. Therefore, it has been classified as a Variant of Uncertain Significance.

NM_000257.4(MYH7):c.1949T>C (p.Leu650Pro)

Gene: MYH7 (myosin heavy chain 7; minus strand). Cytogenetic location: 14q11.2.
Variant type: single nucleotide variant.
Coding change: c.1949T>C on transcript NM_000257.4 (MANE Select); coding-DNA position 1949, T replaced by C.
Protein change: p.Leu650Pro; replaces leucine 650 with proline.
Molecular consequence: missense variant.
Genome position (GRCh38, 1-based): chr14:23,427,247, A>G on the plus strand (T>C on the coding strand, the complement: MYH7 is on the minus strand). VCF-style: chr14-23427247-A-G. GRCh37 (hg19) VCF-style: chr14-23896456-A-G.
Other names: short protein forms L650P.
Identifiers: ClinVar variation 407197 (VCV000407197.8), dbSNP rs1060501451, ClinGen allele CA16614419.